The following is an entry in ClinVar:

NM_022124.6(CDH23):c.8723-2A>G

Gene: CDH23 (cadherin related 23; plus strand). Cytogenetic location: 10q22.1.
Variant type: single nucleotide variant.
Coding change: c.8723-2A>G on transcript NM_022124.6 (MANE Select); the canonical splice acceptor site of the intron before coding-DNA position 8723, A replaced by G.
Molecular consequence: splice acceptor variant.
Genome position (GRCh38, 1-based): chr10:71,809,818, A>G. VCF-style: chr10-71809818-A-G. GRCh37 (hg19) VCF-style: chr10-73569575-A-G.
Other names: c.2003-2A>G (NM_001171933.1, NM_001171934.1).
Identifiers: ClinVar variation 1926921 (VCV001926921.5), dbSNP rs2494443985, ClinGen allele CA377133002.

ClinVar aggregate classification (germline): Likely pathogenic (1 of 4 stars; one submission).

Submission:

Labcorp Genetics (formerly Invitae), Labcorp
Classification: Likely pathogenic. Last evaluated: 2021-12-25. Review status: criteria provided, single submitter. Criteria: Invitae Variant Classification Sherloc (09022015). Collection method: clinical testing. Allele origin: germline.
Comment: In summary, the currently available evidence indicates that the variant is pathogenic, but additional data are needed to prove that conclusively. Therefore, this variant has been classified as Likely Pathogenic. Algorithms developed to predict the effect of sequence changes on RNA splicing suggest that this variant may disrupt the consensus splice site. This variant has not been reported in the literature in individuals affected with CDH23-related conditions. This variant is not present in population databases (gnomAD no frequency). This sequence change affects an acceptor splice site in intron 60 of the CDH23 gene. It is expected to disrupt RNA splicing. Variants that disrupt the donor or acceptor splice site typically lead to a loss of protein function (PMID: 16199547), and loss-of-function variants in CDH23 are known to be pathogenic (PMID: 11138009, 21940737).

Literature cited by the submitters: PubMed 16199547; PubMed 11138009; PubMed 21940737.